The following is an entry in ClinVar:

NM_000901.5(NR3C2):c.1000T>C (p.Cys334Arg)

Gene: NR3C2 (nuclear receptor subfamily 3 group C member 2; minus strand). Cytogenetic location: 4q31.23.
Variant type: single nucleotide variant.
Coding change: c.1000T>C on transcript NM_000901.5 (MANE Select); coding-DNA position 1000, T replaced by C.
Protein change: p.Cys334Arg; replaces cysteine 334 with arginine.
Molecular consequence: missense variant. On other transcripts: non-coding transcript variant (1).
Genome position (GRCh38, 1-based): chr4:148,435,861, A>G on the plus strand (T>C on the coding strand, the complement: NR3C2 is on the minus strand). VCF-style: chr4-148435861-A-G. GRCh37 (hg19) VCF-style: chr4-149357013-A-G.
Other names: c.1000T>C, p.Cys334Arg (NM_001166104.2, NM_001354819.1); short protein forms C334R.
Identifiers: ClinVar variation 3407674 (VCV003407674.3).

ClinVar aggregate classification (germline): Uncertain significance. Review status: criteria provided, multiple submitters, no conflicts (2 of 4 stars). 2 submissions from 2 submitters: Uncertain significance (2). Last evaluated 2024-11-06.

Conditions:
Inborn genetic diseases. Identifiers: MedGen C0950123, MeSH D030342.

gnomAD v4.1: 34 of 1,614,120 alleles (0.0021%); highest among the groups gnomAD compares: Admixed American, 0.005%; no homozygotes.

Submissions (2):

Labcorp Genetics (formerly Invitae), Labcorp
Classification: Uncertain significance. Last evaluated: 2024-11-06. Review status: criteria provided, single submitter. Criteria: Invitae Variant Classification Sherloc (09022015). Collection method: clinical testing. Allele origin: germline.
Comment: This sequence change replaces cysteine, which is neutral and slightly polar, with arginine, which is basic and polar, at codon 334 of the NR3C2 protein (p.Cys334Arg). This variant is present in population databases (no rsID available, gnomAD 0.007%). This variant has not been reported in the literature in individuals affected with NR3C2-related conditions. Invitae Evidence Modeling of protein sequence and biophysical properties (such as structural, functional, and spatial information, amino acid conservation, physicochemical variation, residue mobility, and thermodynamic stability) indicates that this missense variant is not expected to disrupt NR3C2 protein function with a negative predictive value of 80%. In summary, the available evidence is currently insufficient to determine the role of this variant in disease. Therefore, it has been classified as a Variant of Uncertain Significance.

Ambry Genetics
Classification: Uncertain significance for Inborn genetic diseases. Last evaluated: 2024-09-27. Review status: criteria provided, single submitter. Criteria: Ambry Variant Classification Scheme 2023. Collection method: clinical testing. Allele origin: germline.